The following is an entry in ClinVar:

ClinVar aggregate classification (germline): Uncertain significance (1 of 4 stars; one submission).

Conditions:
Familial hypobetalipoproteinemia 1. Also called: APOB-Related Familial Hypobetalipoproteinemia; Hypobetalipoproteinemia, normotriglyceridemic; Acanthocytosis with hypobetalipoproteinemia. Identifiers: MedGen C4551990, MONDO:0014252, OMIM 615558.
Hypercholesterolemia, autosomal dominant, type B (FHCL2). Also called: Familial Hypercholesterolemia Type B; APOLIPOPROTEIN B-100, FAMILIAL DEFECTIVE; APOLIPOPROTEIN B-100, FAMILIAL LIGAND-DEFECTIVE; HYPERCHOLESTEROLEMIA, FAMILIAL, DUE TO LIGAND-DEFECTIVE APOLIPOPROTEIN B; Hyperlipoproteinemia Type IIb; Familial hypercholesterolemia 2. Identifiers: MedGen C1704417, MONDO:0007751, OMIM 144010.

Submission:

Labcorp Genetics (formerly Invitae), Labcorp
Classification: Uncertain significance for Familial hypobetalipoproteinemia 1; Hypercholesterolemia, autosomal dominant, type B. Last evaluated: 2024-03-13. Review status: criteria provided, single submitter. Criteria: Invitae Variant Classification Sherloc (09022015). Collection method: clinical testing. Allele origin: germline.
Comment: This sequence change replaces phenylalanine, which is neutral and non-polar, with cysteine, which is neutral and slightly polar, at codon 3102 of the APOB protein (p.Phe3102Cys). This variant is not present in population databases (gnomAD no frequency). This variant has not been reported in the literature in individuals affected with APOB-related conditions. Advanced modeling of protein sequence and biophysical properties (such as structural, functional, and spatial information, amino acid conservation, physicochemical variation, residue mobility, and thermodynamic stability) performed at Invitae indicates that this missense variant is not expected to disrupt APOB protein function with a negative predictive value of 95%. In summary, the available evidence is currently insufficient to determine the role of this variant in disease. Therefore, it has been classified as a Variant of Uncertain Significance.

NM_000384.3(APOB):c.9305T>G (p.Phe3102Cys)

Gene: APOB (apolipoprotein B; minus strand). Cytogenetic location: 2p24.1.
Variant type: single nucleotide variant.
Coding change: c.9305T>G on transcript NM_000384.3 (MANE Select); coding-DNA position 9305, T replaced by G.
Protein change: p.Phe3102Cys; replaces phenylalanine 3102 with cysteine.
Molecular consequence: missense variant.
Genome position (GRCh38, 1-based): chr2:21,007,563, A>C on the plus strand (T>G on the coding strand, the complement: APOB is on the minus strand). VCF-style: chr2-21007563-A-C. GRCh37 (hg19) VCF-style: chr2-21230435-A-C.
Other names: short protein forms F3102C.
Identifiers: ClinVar variation 3752708 (VCV003752708.2).